The following is an entry in ClinVar:

ClinVar aggregate classification (germline): Uncertain significance (1 of 4 stars; one submission).

Conditions:
Cardiovascular phenotype. Identifiers: MedGen CN230736.

Submission:

Ambry Genetics
Classification: Uncertain significance for Cardiovascular phenotype. Last evaluated: 2023-11-05. Review status: criteria provided, single submitter. Criteria: Ambry Variant Classification Scheme 2023. Collection method: clinical testing. Allele origin: germline.
Comment: The p.L123R variant (also known as c.368T>G), located in coding exon 2 of the TCAP gene, results from a T to G substitution at nucleotide position 368. The leucine at codon 123 is replaced by arginine, an amino acid with dissimilar properties. This amino acid position is conserved. In addition, the in silico prediction for this alteration is inconclusive. Since supporting evidence is limited at this time, the clinical significance of this alteration remains unclear.

NM_003673.4(TCAP):c.368T>G (p.Leu123Arg)

Gene: TCAP (titin-cap; plus strand). Cytogenetic location: 17q12.
Variant type: single nucleotide variant.
Coding change: c.368T>G on transcript NM_003673.4 (MANE Select); coding-DNA position 368, T replaced by G.
Protein change: p.Leu123Arg; replaces leucine 123 with arginine.
Molecular consequence: missense variant.
Genome position (GRCh38, 1-based): chr17:39,665,973, T>G. VCF-style: chr17-39665973-T-G. GRCh37 (hg19) VCF-style: chr17-37822226-T-G.
Other names: short protein forms L123R.
Identifiers: ClinVar variation 3223540 (VCV003223540.1), dbSNP rs2543739894, ClinGen allele CA399305360.